The following is an entry in ClinVar:

ClinVar aggregate classification (germline): Uncertain significance (1 of 4 stars; one submission).

Conditions:
Schneckenbecken dysplasia. Identifiers: Orphanet 3144, MedGen C0432194, MONDO:0010013, OMIM 269250.

Submission:

Labcorp Genetics (formerly Invitae), Labcorp
Classification: Uncertain significance for Schneckenbecken dysplasia. Last evaluated: 2022-07-19. Review status: criteria provided, single submitter. Criteria: Invitae Variant Classification Sherloc (09022015). Collection method: clinical testing. Allele origin: germline.
Comment: This sequence change replaces leucine, which is neutral and non-polar, with glutamine, which is neutral and polar, at codon 144 of the SLC35D1 protein (p.Leu144Gln). This variant is not present in population databases (gnomAD no frequency). This variant has not been reported in the literature in individuals affected with SLC35D1-related conditions. Algorithms developed to predict the effect of missense changes on protein structure and function (SIFT, PolyPhen-2, Align-GVGD) all suggest that this variant is likely to be disruptive. In summary, the available evidence is currently insufficient to determine the role of this variant in disease. Therefore, it has been classified as a Variant of Uncertain Significance.

NM_015139.3(SLC35D1):c.431T>A (p.Leu144Gln)

Gene: SLC35D1 (solute carrier family 35 member D1; minus strand). Cytogenetic location: 1p31.3.
Variant type: single nucleotide variant.
Coding change: c.431T>A on transcript NM_015139.3 (MANE Select); coding-DNA position 431, T replaced by A.
Protein change: p.Leu144Gln; replaces leucine 144 with glutamine.
Molecular consequence: missense variant.
Genome position (GRCh38, 1-based): chr1:67,050,466, A>T on the plus strand (T>A on the coding strand, the complement: SLC35D1 is on the minus strand). VCF-style: chr1-67050466-A-T. GRCh37 (hg19) VCF-style: chr1-67516149-A-T.
Other names: short protein forms L144Q.
Identifiers: ClinVar variation 1717998 (VCV001717998.6), dbSNP rs2524799887, ClinGen allele CA340706709.
Genomic context (GRCh38, chr1:67,050,466, plus strand): 5'-AACAGATATATTAGAAACTTAGCTCACTTGAGTAAAACTCCTTCAGCAAACATTGTAAAC[A>T]GGATGGAGAACCTTCTCAGAACTGTAAACATTGGCAAGCTGGAAAAAAAAAAGATAATTA-3'
Protein context (NP_055954.1, residues 134-154): MFTVLRRFSI[Leu144Gln]FTMFAEGVLL